The following is an entry in ClinVar:

ClinVar aggregate classification (germline): Likely benign. Review status: criteria provided, multiple submitters, no conflicts (2 of 4 stars). 2 submissions from 2 submitters: Likely benign (2). Last evaluated 2018-06-16.

Allele frequency attached by ClinVar (database versions not stated): gnomAD 0.00524 and 0.00568; 1000 Genomes Project 0.00539; TOPMed 0.00619; 1000 Genomes Project 30x 0.00671.
gnomAD v4.1: 2,168 of 1,478,294 alleles (0.15%); highest among the groups gnomAD compares: African/African-American, 1.7%; 9 homozygotes.

Submissions (2):

GeneDx
Classification: Likely benign. Last evaluated: 2018-06-16. Review status: criteria provided, single submitter. Criteria: GeneDx Variant Classification (06012015). Collection method: clinical testing. Allele origin: germline. Affected: yes.
Comment: This variant is considered likely benign or benign based on one or more of the following criteria: it is a conservative change, it occurs at a poorly conserved position in the protein, it is predicted to be benign by multiple in silico algorithms, and/or has population frequency not consistent with disease.

Breakthrough Genomics
Classification: Likely benign. Review status: criteria provided, single submitter. Criteria: ACMG Guidelines, 2015. Collection method: not provided. Allele origin: germline. Inheritance: Autosomal recessive inheritance. Affected: yes.

NM_001267550.2(TTN):c.47573-62C>T

Genes: TTN (titin; minus strand), TTN-AS1 (TTN antisense RNA 1; plus strand). Cytogenetic location: 2q31.2.
Variant type: single nucleotide variant.
Coding change: c.47573-62C>T on transcript NM_001267550.2 (MANE Select); 62 bases into the intron before coding-DNA position 47573, C replaced by T.
Molecular consequence: intron variant.
Genome position (GRCh38, 1-based): chr2:178,617,574, G>A on the plus strand (C>T on the coding strand, the complement: TTN is on the minus strand). VCF-style: chr2-178617574-G-A. GRCh37 (hg19) VCF-style: chr2-179482301-G-A.
Other names: c.20378-62C>T (NM_003319.4); c.20954-62C>T (NM_133437.4); c.20753-62C>T (NM_133432.3); c.39869-62C>T (NM_133378.4); c.42650-62C>T (NM_001256850.1).
Identifiers: ClinVar variation 676583 (VCV000676583.2), dbSNP rs72677236, ClinGen allele CA60990233.